The following is an entry in ClinVar:

ClinVar aggregate classification (germline): Uncertain significance (1 of 4 stars; one submission).

Submission:

GeneDx
Classification: Uncertain significance. Last evaluated: 2023-05-15. Review status: criteria provided, single submitter. Criteria: GeneDx Variant Classification Process June 2021. Collection method: clinical testing. Allele origin: germline. Affected: yes.
Comment: Not observed at significant frequency in large population cohorts (gnomAD); In silico analysis supports that this missense variant does not alter protein structure/function; Has not been previously published as pathogenic or benign to our knowledge

NM_012082.4(ZFPM2):c.2168C>A (p.Ser723Tyr)

Genes: ZFPM2 (zinc finger protein, FOG family member 2; plus strand), ZFPM2-AS1 (ZFPM2 antisense RNA 1; minus strand), LOC126860469 (BRD4-independent group 4 enhancer GRCh37_chr8:106814445-106815644; plus strand). Cytogenetic location: 8q23.1.
Variant type: single nucleotide variant.
Coding change: c.2168C>A on transcript NM_012082.4 (MANE Select); coding-DNA position 2168, C replaced by A.
Protein change: p.Ser723Tyr; replaces serine 723 with tyrosine.
Molecular consequence: missense variant.
Genome position (GRCh38, 1-based): chr8:105,802,250, C>A. VCF-style: chr8-105802250-C-A. GRCh37 (hg19) VCF-style: chr8-106814478-C-A.
Other names: c.2009C>A, p.Ser670Tyr (NM_001362836.2); c.1772C>A, p.Ser591Tyr (NM_001362837.2); short protein forms S591Y, S670Y, S723Y.
Identifiers: ClinVar variation 2662308 (VCV002662308.1), dbSNP rs267601701, ClinGen allele CA371953482.